The following is an entry in ClinVar:

ClinVar aggregate classification (germline): Uncertain significance. Review status: criteria provided, multiple submitters, no conflicts (2 of 4 stars). 2 submissions from 2 submitters: Uncertain significance (2). Last evaluated 2023-10-24.

Conditions:
Developmental and epileptic encephalopathy, 54. Also called: Epileptic encephalopathy, early infantile, 54; HNRNPU-Related Neurodevelopmental Disorder. Identifiers: MedGen C4479319, MONDO:0033363, OMIM 617391.

Allele frequency attached by ClinVar (database versions not stated): gnomAD exomes below 0.00001; gnomAD 0.00001.
gnomAD v4.1: 4 of 1,613,558 alleles (0.00025%); highest among the groups gnomAD compares: Admixed American, 0.0017%; no homozygotes.

Submissions (2):

Labcorp Genetics (formerly Invitae), Labcorp
Classification: Uncertain significance for Developmental and epileptic encephalopathy, 54. Last evaluated: 2023-10-24. Review status: criteria provided, single submitter. Criteria: Invitae Variant Classification Sherloc (09022015). Collection method: clinical testing. Allele origin: germline.
Comment: This sequence change replaces asparagine, which is neutral and polar, with serine, which is neutral and polar, at codon 778 of the HNRNPU protein (p.Asn778Ser). This variant is not present in population databases (gnomAD no frequency). This variant has not been reported in the literature in individuals affected with HNRNPU-related conditions. ClinVar contains an entry for this variant (Variation ID: 2177753). Advanced modeling of protein sequence and biophysical properties (such as structural, functional, and spatial information, amino acid conservation, physicochemical variation, residue mobility, and thermodynamic stability) performed at Invitae indicates that this missense variant is not expected to disrupt HNRNPU protein function with a negative predictive value of 80%. In summary, the available evidence is currently insufficient to determine the role of this variant in disease. Therefore, it has been classified as a Variant of Uncertain Significance.

CeGaT Center for Human Genetics Tuebingen
Classification: Uncertain significance. Last evaluated: 2023-09-01. Review status: criteria provided, single submitter. Criteria: CeGaT Center For Human Genetics Tuebingen Variant Classification Criteria Version 2. Collection method: clinical testing. Allele origin: germline. Affected: yes. Observed: 1 variant allele.
Comment: HNRNPU: PM2, PS2:Supporting

NM_031844.3(HNRNPU):c.2333A>G (p.Asn778Ser)

Gene: HNRNPU (heterogeneous nuclear ribonucleoprotein U; minus strand). Cytogenetic location: 1q44.
Variant type: single nucleotide variant.
Coding change: c.2333A>G on transcript NM_031844.3 (MANE Select); coding-DNA position 2333, A replaced by G.
Protein change: p.Asn778Ser; replaces asparagine 778 with serine.
Molecular consequence: missense variant.
Genome position (GRCh38, 1-based): chr1:244,855,443, T>C on the plus strand (A>G on the coding strand, the complement: HNRNPU is on the minus strand). VCF-style: chr1-244855443-T-C. GRCh37 (hg19) VCF-style: chr1-245018745-T-C.
Other names: c.2276A>G, p.Asn759Ser (NM_004501.3); short protein forms N759S, N778S.
Identifiers: ClinVar variation 2177753 (VCV002177753.29), dbSNP rs1680652178, ClinGen allele CA345486837.